The following is an entry in ClinVar:

NM_024422.6(DSC2):c.2509-245A>G

Gene: DSC2 (desmocollin 2; minus strand). Cytogenetic location: 18q12.1.
Variant type: single nucleotide variant.
Coding change: c.2509-245A>G on transcript NM_024422.6 (MANE Select); 245 bases into the intron before coding-DNA position 2509, A replaced by G.
Molecular consequence: intron variant.
Genome position (GRCh38, 1-based): chr18:31,068,457, T>C on the plus strand (A>G on the coding strand, the complement: DSC2 is on the minus strand). VCF-style: chr18-31068457-T-C. GRCh37 (hg19) VCF-style: chr18-28648423-T-C.
Other names: c.2509-113A>G (NM_004949.5).
Identifiers: ClinVar variation 675743 (VCV000675743.2), dbSNP rs79887529, ClinGen allele CA297685845.
Genomic context (GRCh38, chr18:31,068,457, plus strand): 5'-TTCAGTATAGCATGTTTCTAAAAGTCACGCATGTGGCAGCAAGTATACAGGTGTTCATTT[T>C]ACATAGTCACTACTTTCCCTTTCAAAATTTTAGCTGAAAGTGACATGCATCCATTAAACT-3'

ClinVar aggregate classification (germline): Likely benign. Review status: criteria provided, multiple submitters, no conflicts (2 of 4 stars). 2 submissions from 2 submitters: Likely benign (2). Last evaluated 2018-06-14.

Allele frequency attached by ClinVar (database versions not stated): gnomAD exomes 0.00105; 1000 Genomes Project 0.00779; 1000 Genomes Project 30x 0.00796; gnomAD 0.00836 and 0.00916; TOPMed 0.01027.
gnomAD v4.1: 2,334 of 1,120,622 alleles (0.21%); highest among the groups gnomAD compares: African/African-American, 2.9%; 37 homozygotes.

Submissions (2):

GeneDx
Classification: Likely benign. Last evaluated: 2018-06-14. Review status: criteria provided, single submitter. Criteria: GeneDx Variant Classification (06012015). Collection method: clinical testing. Allele origin: germline. Affected: yes.
Comment: This variant is considered likely benign or benign based on one or more of the following criteria: it is a conservative change, it occurs at a poorly conserved position in the protein, it is predicted to be benign by multiple in silico algorithms, and/or has population frequency not consistent with disease.

Breakthrough Genomics
Classification: Likely benign. Review status: criteria provided, single submitter. Criteria: ACMG Guidelines, 2015. Collection method: not provided. Allele origin: germline. Inheritance: Autosomal dominant inheritance. Affected: yes.